The following is an entry in ClinVar:

ClinVar aggregate classification (germline): Uncertain significance (1 of 4 stars; one submission).

Submission:

Labcorp Genetics (formerly Invitae), Labcorp
Classification: Uncertain significance. Last evaluated: 2024-08-30. Review status: criteria provided, single submitter. Criteria: Invitae Variant Classification Sherloc (09022015). Collection method: clinical testing. Allele origin: germline.
Comment: This sequence change replaces alanine, which is neutral and non-polar, with threonine, which is neutral and polar, at codon 129 of the TAOK2 protein (p.Ala129Thr). This variant is not present in population databases (gnomAD no frequency). This variant has not been reported in the literature in individuals affected with TAOK2-related conditions. An algorithm developed to predict the effect of missense changes on protein structure and function (PolyPhen-2) suggests that this variant is likely to be disruptive. In summary, the available evidence is currently insufficient to determine the role of this variant in disease. Therefore, it has been classified as a Variant of Uncertain Significance.

NM_016151.4(TAOK2):c.385G>A (p.Ala129Thr)

Gene: TAOK2 (TAO kinase 2; plus strand). Cytogenetic location: 16p11.2.
Variant type: single nucleotide variant.
Coding change: c.385G>A on transcript NM_016151.4 (MANE Select); coding-DNA position 385, G replaced by A.
Protein change: p.Ala129Thr; replaces alanine 129 with threonine.
Molecular consequence: missense variant.
Genome position (GRCh38, 1-based): chr16:29,979,006, G>A. VCF-style: chr16-29979006-G-A. GRCh37 (hg19) VCF-style: chr16-29990327-G-A.
Other names: c.385G>A, p.Ala129Thr (NM_001252043.2, NM_004783.4); short protein forms A129T.
Identifiers: ClinVar variation 3676148 (VCV003676148.2).